The following is an entry in ClinVar:

ClinVar aggregate classification (germline): Pathogenic. Review status: criteria provided, multiple submitters, no conflicts (2 of 4 stars). 6 submissions from 6 submitters: Pathogenic (3). 3 of the submissions do not count toward it. Last evaluated 2022-11-03.

Conditions:
Neuronopathy, distal hereditary motor, type 5C. Also called: DHMN VC; NEURONOPATHY, DISTAL HEREDITARY MOTOR, AUTOSOMAL DOMINANT 13; NEURONOPATHY, DISTAL HEREDITARY MOTOR, HARDING TYPE VC; NEUROPATHY, DISTAL HEREDITARY MOTOR, HARDING TYPE VC; SPINAL MUSCULAR ATROPHY, DISTAL, HARDING TYPE VC. Identifiers: MedGen C5436838, MONDO:0030860, OMIM 619112.
Berardinelli-Seip congenital lipodystrophy. Identifiers: Orphanet 528, MedGen CN262437, MONDO:0018883.
Inborn genetic diseases. Identifiers: MedGen C0950123, MeSH D030342.
Congenital generalized lipodystrophy type 2 (CGL2). Also called: BERARDINELLI SYNDROME; BRUNZELL SYNDROME, BSCL2-RELATED; SEIP SYNDROME; Berardinelli-Seip Congenital Lipodystrophy Type 2. Identifiers: Orphanet 528, Orphanet 696289, MedGen C1720863, MONDO:0010020, OMIM 269700.

Allele frequency attached by ClinVar (database versions not stated): gnomAD exomes below 0.00001 and 0.00001; gnomAD 0.00001.

Submissions (6):

Dasa
Classification: Pathogenic for Neuronopathy, distal hereditary motor, type 5C. Last evaluated: 2022-11-03. Review status: criteria provided, single submitter. Criteria: ACMG Guidelines, 2015. Collection method: clinical testing. Allele origin: germline. Affected: yes. Observed: 1 variant allele.
Comment: The c.412C>T;p.Arg138* variant creates a premature translational stop signal in the BSCL2 gene. It is expected to result in an absent or disrupted protein product - PVS1. This sequence change has been observed in affected individual(s) and ClinVar contains an entry for this variant (Clinvar ID:4537; PMID: 20301391) - PS4. The variant is present at low allele frequencies population databases (rs137852970 – gnomAD 0.00006579%; ABraOM no frequency) - PM2_supporting. In summary, the currently available evidence indicates that the variant is pathogenic.

Mendelics
Classification: Pathogenic for Congenital generalized lipodystrophy type 2. Last evaluated: 2022-05-04. Review status: criteria provided, single submitter. Criteria: Mendelics Assertion Criteria 2019. Collection method: clinical testing. Allele origin: germline.

Ambry Genetics
Classification: Pathogenic for Inborn genetic diseases. Last evaluated: 2021-05-06. Review status: criteria provided, single submitter. Criteria: Ambry Variant Classification Scheme 2023. Collection method: clinical testing. Allele origin: germline.
Comment: The p.R138* pathogenic mutation (also known as c.412C>T), located in coding exon 3 of the BSCL2 gene, results from a C to T substitution at nucleotide position 412. This changes the amino acid from an arginine to a stop codon within coding exon 3. This variant was detected as homozygous and compound heterozygous with another truncating alteration in BCSL in several individuals with autosomal recessive congenital generalized lipodystrophy type 2, also known as BSCL2-related syndrome or Berardinelli-Seip congenital generalized lipodystrophy syndrome (Magr&eacute; J et al. Nat Genet, 2001 Aug;28:365-70; Van Maldergem L et al. J Med Genet, 2002 Oct;39:722-33; Miranda DM et al. Clin Endocrinol (Oxf), 2009 Oct;71:512-7; Haghighi A et al. Clin Genet, 2016 Apr;89:434-441). This alteration is expected to result in loss of function by premature protein truncation or nonsense-mediated mRNA decay. Based on the supporting evidence, this variant is expected to be causative of autosomal recessive BSCL2-related syndrome when present along with a second pathogenic variant on the other allele; however, its clinical significance for BSCL2-related neurological disorders, or seipinopathy spectrum disorders, is unclear.

Inherited Neuropathy Consortium Ii, University Of Miami
Classification: Uncertain significance for Berardinelli-Seip congenital lipodystrophy. Last evaluated: 2016-01-06. Review status: no assertion criteria provided. Collection method: literature only. Allele origin: germline. Affected: yes. Not counted in ClinVar's aggregate classification.

OMIM
Classification: Pathogenic for LIPODYSTROPHY, CONGENITAL GENERALIZED, TYPE 2. Last evaluated: 2001-08-01. Review status: no assertion criteria provided. Collection method: literature only. Allele origin: germline. Not counted in ClinVar's aggregate classification.

GeneReviews
No classification provided. Condition: Congenital generalized lipodystrophy type 2. Review status: no classification provided. Collection method: literature only. Allele origin: germline. Affected: yes. Not counted in ClinVar's aggregate classification.

Literature cited by the submitters: PubMed 20301391 (cited by Dasa); PubMed 11479539 (cited by 3 submitters); PubMed 12362029 (cited by Ambry Genetics); PubMed 19226263 (cited by Ambry Genetics); PubMed 26072926 (cited by Ambry Genetics); NCBI Bookshelf NBK1212 (cited by GeneReviews).

NM_001122955.4(BSCL2):c.604C>T (p.Arg202Ter)

Genes: BSCL2 (BSCL2 lipid droplet biogenesis associated, seipin; minus strand), HNRNPUL2-BSCL2 (HNRNPUL2-BSCL2 readthrough (NMD candidate); minus strand). Cytogenetic location: 11q12.3.
Variant type: single nucleotide variant.
Coding change: c.604C>T on transcript NM_001122955.4 (MANE Select); coding-DNA position 604, C replaced by T.
Protein change: p.Arg202Ter; replaces arginine 202 with a stop codon.
Molecular consequence: nonsense. On other transcripts: non-coding transcript variant (1).
Genome position (GRCh38, 1-based): chr11:62,694,594, G>A on the plus strand (C>T on the coding strand, the complement: BSCL2 is on the minus strand). VCF-style: chr11-62694594-G-A. GRCh37 (hg19) VCF-style: chr11-62462066-G-A.
Other names: c.412C>T, p.Arg138Ter (NM_001130702.2, NM_032667.6); c.604C>T, p.Arg202Ter (NM_001386027.1, NM_001386028.1); short protein forms R138*, R202*.
Identifiers: ClinVar variation 4537 (VCV000004537.9), dbSNP rs137852970, ClinGen allele CA277922.